The following is an entry in ClinVar:

NM_001130438.3(SPTAN1):c.4885G>A (p.Gly1629Ser)

Gene: SPTAN1 (spectrin alpha, non-erythrocytic 1; plus strand). Cytogenetic location: 9q34.11.
Variant type: single nucleotide variant.
Coding change: c.4885G>A on transcript NM_001130438.3 (MANE Select); coding-DNA position 4885, G replaced by A.
Protein change: p.Gly1629Ser; replaces glycine 1629 with serine.
Molecular consequence: missense variant.
Genome position (GRCh38, 1-based): chr9:128,611,825, G>A. VCF-style: chr9-128611825-G-A. GRCh37 (hg19) VCF-style: chr9-131374104-G-A.
Other names: c.4810G>A, p.Gly1604Ser (NM_001195532.2); c.4885G>A, p.Gly1629Ser (NM_001363759.2, NM_001375310.1, NM_001375311.2 and 1 more transcripts); c.4825G>A, p.Gly1609Ser (NM_001363765.2, NM_001375314.2); c.4921G>A, p.Gly1641Ser (NM_001375312.2, NM_001375318.1); c.4870G>A, p.Gly1624Ser (NM_003127.4); short protein forms G1609S, G1624S, G1629S, G1641S, G1604S.
Identifiers: ClinVar variation 2049989 (VCV002049989.4), dbSNP rs2541835183, ClinGen allele CA375070568.

ClinVar aggregate classification (germline): Uncertain significance (1 of 4 stars; one submission).

Conditions:
Early-infantile DEE. Also called: Early infantile epileptic encephalopathy; Ohtahara syndrome; Early infantile epileptic encephalopathy with suppression bursts. Identifiers: Orphanet 1934, MedGen C0393706, MONDO:0800491.

Allele frequency attached by ClinVar (database versions not stated): gnomAD exomes below 0.00001.
gnomAD v4.1: 2 of 1,614,164 alleles (0.00012%); highest among the groups gnomAD compares: Non-Finnish European, 0.00017%; no homozygotes.

Submission:

Labcorp Genetics (formerly Invitae), Labcorp
Classification: Uncertain significance for Early-infantile DEE. Last evaluated: 2021-12-20. Review status: criteria provided, single submitter. Criteria: Invitae Variant Classification Sherloc (09022015). Collection method: clinical testing. Allele origin: germline.
Comment: This variant has not been reported in the literature in individuals affected with SPTAN1-related conditions. This sequence change replaces glycine, which is neutral and non-polar, with serine, which is neutral and polar, at codon 1629 of the SPTAN1 protein (p.Gly1629Ser). This variant is not present in population databases (gnomAD no frequency). Algorithms developed to predict the effect of missense changes on protein structure and function are either unavailable or do not agree on the potential impact of this missense change (SIFT: "Deleterious"; PolyPhen-2: "Benign"; Align-GVGD: "Class C55"). In summary, the available evidence is currently insufficient to determine the role of this variant in disease. Therefore, it has been classified as a Variant of Uncertain Significance.